The following is an entry in ClinVar:

ClinVar aggregate classification (germline): Pathogenic/Likely pathogenic. Review status: criteria provided, multiple submitters, no conflicts (2 of 4 stars). 4 submissions from 4 submitters: Pathogenic (2); Likely pathogenic (2). Last evaluated 2025-07-09.

Conditions:
Familial thoracic aortic aneurysm and aortic dissection (TAAD). Also called: Thoracic aortic aneurysms and dissections. Identifiers: Orphanet 91387, MedGen C4707243, MONDO:0019625.
Marfan syndrome (MFS). Also called: Marfan syndrome type 1; Marfan's syndrome; Marfan syndrome, classic; MARFAN SYNDROME, TYPE I; FBN1-Related Marfan Syndrome. Identifiers: Orphanet 284963, Orphanet 558, MedGen C0024796, MONDO:0007947, OMIM 154700.
FBN1-related disorder. Also called: FBN1-related disorders.

Submissions (4):

GeneDx
Classification: Likely pathogenic. Last evaluated: 2025-07-09. Review status: criteria provided, single submitter. Criteria: GeneDx Variant Classification Process June 2021. Collection method: clinical testing. Allele origin: germline. Affected: yes.
Comment: Affects a cysteine residue within an EGF-like domain of the FBN1 gene, which may affect disulfide bonding and is predicted to alter the structure and function of the protein; cysteine substitutions in the EGF-like domains represent the majority of pathogenic missense changes associated with FBN1-related disorders (PMID: 12938084); Not observed at significant frequency in large population cohorts (gnomAD); In silico analysis supports that this missense variant has a deleterious effect on protein structure/function; This variant is associated with the following publications: (PMID: 12938084, 35058154)

Centre of Medical Genetics, University of Antwerp
Classification: Pathogenic for Marfan syndrome. Last evaluated: 2021-03-01. Review status: criteria provided, single submitter. Criteria: Submitter's publication. Collection method: research. Allele origin: unknown. Affected: yes.
Comment: PM2, PVS2, PP4

Labcorp Genetics (formerly Invitae), Labcorp
Classification: Pathogenic for Marfan syndrome; Familial thoracic aortic aneurysm and aortic dissection. Last evaluated: 2020-02-03. Review status: criteria provided, single submitter. Criteria: Invitae Variant Classification Sherloc (09022015). Collection method: clinical testing. Allele origin: germline.
Comment: This variant affects a cysteine residue in the EGF-like, TGFBP or hybrid motif domains of FBN1. Cysteine residues are believed to be involved in intramolecular disulfide bridges and have been shown to be important for FBN1 protein structure (PMID: 16905551, 19349279). In addition, missense substitutions affecting cysteine residues within these domains are significantly overrepresented among patients with Marfan syndrome (PMID: 16571647, 17701892). For these reasons, this variant has been classified as Pathogenic. This variant disrupts the p.Cys1389 amino acid residue in FBN1. Other variant(s) that disrupt this residue have been observed in individuals with FBN1-related conditions (PMID: 28550590, 28973303, 14695540), which suggests that this may be a clinically significant amino acid residue. Algorithms developed to predict the effect of missense changes on protein structure and function (SIFT, PolyPhen-2, Align-GVGD) all suggest that this variant is likely to be disruptive, but these predictions have not been confirmed by published functional studies and their clinical significance is uncertain. This variant has not been reported in the literature in individuals with FBN1-related conditions. This variant is not present in population databases (ExAC no frequency). This sequence change replaces cysteine with tyrosine at codon 1389 of the FBN1 protein (p.Cys1389Tyr). The cysteine residue is highly conserved and there is a large physicochemical difference between cysteine and tyrosine.

Blueprint Genetics
Classification: Likely pathogenic for FBN1-related disorders. Last evaluated: 2019-10-30. Review status: criteria provided, single submitter. Criteria: ACMG Guidelines, 2015. Collection method: clinical testing. Allele origin: germline. Affected: yes. Observed: 1 variant allele.

Literature cited by the submitters: PubMed 16905551 (cited by Labcorp Genetics (formerly Invitae), Labcorp); PubMed 19349279 (cited by Labcorp Genetics (formerly Invitae), Labcorp); PubMed 16571647 (cited by Labcorp Genetics (formerly Invitae), Labcorp); PubMed 17701892 (cited by Labcorp Genetics (formerly Invitae), Labcorp); PubMed 28550590 (cited by Labcorp Genetics (formerly Invitae), Labcorp); PubMed 28973303 (cited by Labcorp Genetics (formerly Invitae), Labcorp); PubMed 14695540 (cited by Labcorp Genetics (formerly Invitae), Labcorp).

NM_000138.5(FBN1):c.4166G>A (p.Cys1389Tyr)

Gene: FBN1 (fibrillin 1; minus strand). Cytogenetic location: 15q21.1.
Variant type: single nucleotide variant.
Coding change: c.4166G>A on transcript NM_000138.5 (MANE Select); coding-DNA position 4166, G replaced by A.
Protein change: p.Cys1389Tyr; replaces cysteine 1389 with tyrosine.
Molecular consequence: missense variant.
Genome position (GRCh38, 1-based): chr15:48,474,299, C>T on the plus strand (G>A on the coding strand, the complement: FBN1 is on the minus strand). VCF-style: chr15-48474299-C-T. GRCh37 (hg19) VCF-style: chr15-48766496-C-T.
Other names: short protein forms C1389Y.
Identifiers: ClinVar variation 1075671 (VCV001075671.28), dbSNP rs1060501026, ClinGen allele CA392320159.
Genomic context (GRCh38, chr15:48,474,299, plus strand): 5'-TCCAGCGTGAACATACCTGTACAAGTGAAGCCATCACCTGTGTATCCTTCCTTGCACAGA[C>T]AGCGGTAAGATCCCATGGTATTCTTGCAGTCTGCATGCTGGCTGCACATATGGGTTCCAT-3'
Protein context (NP_000129.3, residues 1379-1399): DCKNTMGSYR[Cys1389Tyr]LCKEGYTGDG